The following is an entry in ClinVar:

ClinVar aggregate classification (germline): Uncertain significance (1 of 4 stars; one submission).

Allele frequency attached by ClinVar (database versions not stated): gnomAD exomes 0.00001 and 0.00002; ExAC 0.00002; gnomAD 0.00002.
gnomAD v4.1: 19 of 1,614,040 alleles (0.0012%); highest among the groups gnomAD compares: South Asian, 0.021%; no homozygotes.

Submission:

Labcorp Genetics (formerly Invitae), Labcorp
Classification: Uncertain significance. Last evaluated: 2025-08-15. Review status: criteria provided, single submitter. Criteria: Invitae Variant Classification Sherloc (09022015). Collection method: clinical testing. Allele origin: germline.
Comment: This sequence change replaces phenylalanine, which is neutral and non-polar, with leucine, which is neutral and non-polar, at codon 1545 of the TRPM1 protein (p.Phe1545Leu). This variant is present in population databases (rs754262023, gnomAD 0.02%). This variant has not been reported in the literature in individuals affected with TRPM1-related conditions. ClinVar contains an entry for this variant (Variation ID: 1517767). Invitae Evidence Modeling of protein sequence and biophysical properties (such as structural, functional, and spatial information, amino acid conservation, physicochemical variation, residue mobility, and thermodynamic stability) indicates that this missense variant is not expected to disrupt TRPM1 protein function with a negative predictive value of 95%. In summary, the available evidence is currently insufficient to determine the role of this variant in disease. Therefore, it has been classified as a Variant of Uncertain Significance.

NM_001252024.2(TRPM1):c.4701C>G (p.Phe1567Leu)

Gene: TRPM1 (transient receptor potential cation channel subfamily M member 1; minus strand). Cytogenetic location: 15q13.3.
Variant type: single nucleotide variant.
Coding change: c.4701C>G on transcript NM_001252024.2 (MANE Select); coding-DNA position 4701, C replaced by G.
Protein change: p.Phe1567Leu; replaces phenylalanine 1567 with leucine.
Molecular consequence: missense variant.
Genome position (GRCh38, 1-based): chr15:31,001,999, G>C on the plus strand (C>G on the coding strand, the complement: TRPM1 is on the minus strand). VCF-style: chr15-31001999-G-C. GRCh37 (hg19) VCF-style: chr15-31294202-G-C.
Other names: c.4752C>G, p.Phe1584Leu (NM_001252020.2); c.4635C>G, p.Phe1545Leu (NM_002420.6); short protein forms F1545L, F1584L, F1567L.
Identifiers: ClinVar variation 1517767 (VCV001517767.8), dbSNP rs754262023, ClinGen allele CA7451592.